The following is an entry in ClinVar:

NM_001001331.4(ATP2B2):c.3690A>C (p.Ser1230=)

Gene: ATP2B2 (ATPase plasma membrane Ca2+ transporting 2; minus strand). Cytogenetic location: 3p25.3.
Variant type: single nucleotide variant.
Coding change: c.3690A>C on transcript NM_001001331.4 (MANE Select); coding-DNA position 3690, A replaced by C.
Protein change: p.Ser1230=; no amino-acid change (serine 1230 retained).
Molecular consequence: synonymous variant. On other transcripts: 3 prime UTR variant (2).
Genome position (GRCh38, 1-based): chr3:10,328,856, T>G on the plus strand (A>C on the coding strand, the complement: ATP2B2 is on the minus strand). VCF-style: chr3-10328856-T-G. GRCh37 (hg19) VCF-style: chr3-10370540-T-G.
Other names: c.*317A>C (NM_001330611.3); c.3555A>C, p.Ser1185= (NM_001353564.1, NM_001438036.1, NM_001683.5); c.*244A>C (NM_001363862.1); c.3597A>C, p.Ser1199= (NM_001438646.1).
Identifiers: ClinVar variation 4281565 (VCV004281565.7).

ClinVar aggregate classification (germline): Likely benign (1 of 4 stars; one submission).

gnomAD v4.1: 1 of 1,613,500 alleles (0.000062%); highest among the groups gnomAD compares: Non-Finnish European, 0.000085%; no homozygotes.

Submission:

CeGaT Center for Human Genetics Tuebingen
Classification: Likely benign. Last evaluated: 2025-09-01. Review status: criteria provided, single submitter. Criteria: CeGaT Center For Human Genetics Tuebingen Variant Classification Criteria Version 2. Collection method: clinical testing. Allele origin: germline. Affected: yes. Observed: 1 variant allele.
Comment: ATP2B2: BP4, BP7